The following is an entry in ClinVar:

ClinVar aggregate classification (germline): Conflicting classifications of pathogenicity. Review status: criteria provided, conflicting classifications (1 of 4 stars). 2 submissions from 2 submitters: Likely pathogenic (1); Uncertain significance (1). Last evaluated 2026-03-30.

Conditions:
Intellectual developmental disorder, autosomal dominant 42. Also called: GNB1 Encephalopathy; Intellectual disability, autosomal dominant 42; Global developmental delay-neuro-ophthalmological abnormalities-seizures-intellectual disability syndrome. Identifiers: Orphanet 488613, MedGen C4310774, MONDO:0014855, OMIM 616973.

Submissions (2):

GeneDx
Classification: Likely pathogenic. Last evaluated: 2026-03-30. Review status: criteria provided, single submitter. Criteria: GeneDx Variant Classification Process June 2021. Collection method: clinical testing. Allele origin: germline.
Comment: Not observed at significant frequency in large population cohorts (gnomAD); In silico analysis supports that this missense variant has a deleterious effect on protein structure/function; Has not been previously published as pathogenic or benign to our knowledge

Victorian Clinical Genetics Services, Murdoch Childrens Research Institute
Classification: Uncertain significance for Intellectual developmental disorder, autosomal dominant 42. Last evaluated: 2024-10-04. Review status: criteria provided, single submitter. Criteria: ACMG Guidelines, 2015. Collection method: clinical testing. Allele origin: germline. Affected: yes.
Comment: This variant is classified as VUS-3A. Evidence in support of pathogenic classification: Variant is absent from gnomAD (v2, v3 and v4); Missense variant in a region that is highly intolerant to missense variation (high constraint region in DECIPHER). Additional information: Variant is predicted to result in a missense amino acid change from proline to leucine; This variant is heterozygous; This gene is associated with autosomal dominant disease; An alternative amino acid change at the same position has been observed in gnomAD (v4: 1 heterozygote, 0 homozygotes); This variant has no previous evidence of pathogenicity; No published segregation evidence has been identified for this variant; No published functional evidence has been identified for this variant; Other missense variants comparable to the one identified in this case have inconclusive previous evidence for pathogenicity. p.(Pro94Arg) has been classified as a VUS by a clinical laboratory in ClinVar, and has been reported in the literature in an individual with global developmental delay, microcephaly and hypotonia (PMID: 39039281). p.(Pro94Ser) has been classified as a VUS and as pathogenic by clinical laboratories in ClinVar, and has been reported in the literature in an individual with global developmental delay, intellectual disability, ophthalmoplegia and chorea (PMID: 28087732); Missense variant with conflicting in silico predictions and uninformative conservation; Loss of function is a known mechanism of disease in this gene and is associated with intellectual development disorder, 42 (MIM#616973). However, a dominant-negative disease mechanism has not been excluded for missense variants (PMID: 28087732, 32918542). (I) - Variants in this gene are known to have variable expressivity. Phenotypes reported to have variability include epilepsy/seizures and brain abnormalities (PMID: 32918542). (I) - Inheritance information for this variant is not currently available in this individual.

Literature cited by the submitters: PubMed 39039281 (cited by Victorian Clinical Genetics Services, Murdoch Childrens Research Institute); PubMed 32918542 (cited by Victorian Clinical Genetics Services, Murdoch Childrens Research Institute); PubMed 28087732 (cited by Victorian Clinical Genetics Services, Murdoch Childrens Research Institute).

NM_002074.5(GNB1):c.281C>T (p.Pro94Leu)

Gene: GNB1 (G protein subunit beta 1; minus strand). Cytogenetic location: 1p36.33.
Variant type: single nucleotide variant.
Coding change: c.281C>T on transcript NM_002074.5 (MANE Select); coding-DNA position 281, C replaced by T.
Protein change: p.Pro94Leu; replaces proline 94 with leucine.
Molecular consequence: missense variant. On other transcripts: 5 prime UTR variant (1).
Genome position (GRCh38, 1-based): chr1:1,804,568, G>A on the plus strand (C>T on the coding strand, the complement: GNB1 is on the minus strand). VCF-style: chr1-1804568-G-A. GRCh37 (hg19) VCF-style: chr1-1736007-G-A.
Other names: c.281C>T (NM_002074.4); c.-20C>T (NM_001282538.2); c.281C>T, p.Pro94Leu (NM_001282539.2); short protein forms P94L.
Identifiers: ClinVar variation 4531364 (VCV004531364.2).